The following is an entry in ClinVar:

ClinVar aggregate classification (germline): Likely benign. Review status: criteria provided, multiple submitters, no conflicts (2 of 4 stars). 2 submissions from 2 submitters: Likely benign (2). Last evaluated 2025-12-08.

gnomAD v4.1: 11 of 1,614,036 alleles (0.00068%); highest among the groups gnomAD compares: Middle Eastern, 0.033%; no homozygotes.

Submissions (2):

Ambry Genetics
Classification: Likely benign. Last evaluated: 2025-12-08. Review status: criteria provided, single submitter. Criteria: Ambry Variant Classification Scheme 2023. Collection method: clinical testing. Allele origin: germline.

CeGaT Center for Human Genetics Tuebingen
Classification: Likely benign. Last evaluated: 2025-01-01. Review status: criteria provided, single submitter. Criteria: CeGaT Center For Human Genetics Tuebingen Variant Classification Criteria Version 2. Collection method: clinical testing. Allele origin: germline. Affected: yes. Observed: 1 variant allele.
Comment: IARS1: BP4, BP7

NM_002161.6(IARS1):c.1743A>G (p.Gln581=)

Gene: IARS1 (isoleucyl-tRNA synthetase 1; minus strand). Cytogenetic location: 9q22.31.
Variant type: single nucleotide variant.
Coding change: c.1743A>G on transcript NM_002161.6 (MANE Select); coding-DNA position 1743, A replaced by G.
Protein change: p.Gln581=; no amino-acid change (glutamine 581 retained).
Molecular consequence: synonymous variant. On other transcripts: non-coding transcript variant (1).
Genome position (GRCh38, 1-based): chr9:92,263,013, T>C on the plus strand (A>G on the coding strand, the complement: IARS1 is on the minus strand). VCF-style: chr9-92263013-T-C. GRCh37 (hg19) VCF-style: chr9-95025295-T-C.
Other names: c.1743A>G, p.Gln581= (NM_001374299.1, NM_001374300.1, NM_001374301.1 and 14 more transcripts); c.1806A>G, p.Gln602= (NM_001378569.1); c.1764A>G, p.Gln588= (NM_001378571.1); c.1620A>G, p.Gln540= (NM_001378583.1); c.1743A>G (NM_013417.2).
Identifiers: ClinVar variation 3771259 (VCV003771259.13).
Genomic context (GRCh38, chr9:92,263,013, plus strand): 5'-AACAAAGTTGACCTACCTTGCCAGGACAAGCCCATTCACAATTACGTTCTTGAAAGGCGG[T>C]TGTCCAAAGAGGGCCGTGGCCAGCACCAGCAGGGTATAAAACCTGAAAAAAAACCCCAAA-3'
Protein context (NP_002152.2, residues 571-591): LLVLATALFG[Gln581=]PPFKNVIVNG